The following is an entry in ClinVar:

ClinVar aggregate classification (germline): Conflicting classifications of pathogenicity. Review status: criteria provided, conflicting classifications (1 of 4 stars). 6 submissions from 6 submitters: Uncertain significance (3); Likely benign (2). 1 of the submissions does not count toward it. Last evaluated 2025-07-21.

Conditions:
Retinal dystrophy. Also called: Inherited retinal dystrophy. Identifiers: Orphanet 71862, MedGen C0854723, MeSH D058499, MONDO:0019118, HP:0000556.
Inborn genetic diseases. Identifiers: MedGen C0950123, MeSH D030342.
Maturity-onset diabetes of the young type 6 (MODY6). Identifiers: Orphanet 552, MedGen C1853371, MONDO:0011668, OMIM 606394.
Type 2 diabetes mellitus. Also called: Type II diabetes mellitus. Identifiers: MedGen C0011860, MeSH D003924, MONDO:0005148, OMIM 125853, HP:0005978.
NEUROD1-related disorder. Also called: NEUROD1-related condition.

Allele frequency attached by ClinVar (database versions not stated): gnomAD 0.00002 and 0.00003; TOPMed 0.00005; ExAC 0.00010; gnomAD exomes 0.00014.
gnomAD v4.1: 74 of 1,614,058 alleles (0.0046%); highest among the groups gnomAD compares: Middle Eastern, 0.56%; no homozygotes.

Submissions (6):

Labcorp Genetics (formerly Invitae), Labcorp
Classification: Uncertain significance. Last evaluated: 2025-07-21. Review status: criteria provided, single submitter. Criteria: Invitae Variant Classification Sherloc (09022015). Collection method: clinical testing. Allele origin: germline.
Comment: This sequence change replaces alanine, which is neutral and non-polar, with threonine, which is neutral and polar, at codon 322 of the NEUROD1 protein (p.Ala322Thr). This variant is present in population databases (rs754458532, gnomAD 0.1%). This variant has not been reported in the literature in individuals affected with NEUROD1-related conditions. ClinVar contains an entry for this variant (Variation ID: 896247). Invitae Evidence Modeling of protein sequence and biophysical properties (such as structural, functional, and spatial information, amino acid conservation, physicochemical variation, residue mobility, and thermodynamic stability) indicates that this missense variant is not expected to disrupt NEUROD1 protein function with a negative predictive value of 80%. In summary, the available evidence is currently insufficient to determine the role of this variant in disease. Therefore, it has been classified as a Variant of Uncertain Significance.

Ambry Genetics
Classification: Likely benign for Inborn genetic diseases. Last evaluated: 2023-12-22. Review status: criteria provided, single submitter. Criteria: Ambry Variant Classification Scheme 2023. Collection method: clinical testing. Allele origin: germline.

Dept Of Ophthalmology, Nagoya University
Classification: Uncertain significance for Retinal dystrophy. Last evaluated: 2023-10-01. Review status: criteria provided, single submitter. Criteria: Submitter's publication. Collection method: research. Allele origin: germline. Affected: yes.

New York Genome Center
Classification: Uncertain significance for Maturity-onset diabetes of the young type 6; Type 2 diabetes mellitus. Last evaluated: 2021-10-18. Review status: criteria provided, single submitter. Criteria: NYGC Assertion Criteria 2020. Collection method: clinical testing. Allele origin: germline. Observed: 1 homozygote.

Illumina Laboratory Services, Illumina
Classification: Likely benign for Maturity-onset diabetes of the young type 6. Last evaluated: 2018-01-12. Review status: criteria provided, single submitter. Criteria: ICSL Variant Classification Criteria 13 December 2019. Collection method: clinical testing. Allele origin: germline.
Comment: This variant was observed in the ICSL laboratory as part of a predisposition screen in an ostensibly healthy population. It had not been previously curated by ICSL or reported in the Human Gene Mutation Database (HGMD: prior to June 1st, 2018), and was therefore a candidate for classification through an automated scoring system. Utilizing variant allele frequency, disease prevalence and penetrance estimates, and inheritance mode, an automated score was calculated to assess if this variant is too frequent to cause the disease. Based on the score and internal cut-off values, a variant classified as likely benign is not then subjected to further curation. The score for this variant resulted in a classification of likely benign for this disease.

PreventionGenetics, part of Exact Sciences
Classification: Uncertain significance for NEUROD1-related condition. Last evaluated: 2024-03-12. Review status: no assertion criteria provided. Collection method: clinical testing. Allele origin: germline. Not counted in ClinVar's aggregate classification.
Comment: The NEUROD1 c.964G>A variant is predicted to result in the amino acid substitution p.Ala322Thr. To our knowledge, this variant has not been reported in the literature. This variant is reported in 0.14% of alleles in individuals of East Asian descent in gnomAD. At this time, the clinical significance of this variant is uncertain due to the absence of conclusive functional and genetic evidence.

NM_002500.5(NEUROD1):c.964G>A (p.Ala322Thr)

Gene: NEUROD1 (neuronal differentiation 1; minus strand). Cytogenetic location: 2q31.3.
Variant type: single nucleotide variant.
Coding change: c.964G>A on transcript NM_002500.5 (MANE Select); coding-DNA position 964, G replaced by A.
Protein change: p.Ala322Thr; replaces alanine 322 with threonine.
Molecular consequence: missense variant.
Genome position (GRCh38, 1-based): chr2:181,677,897, C>T on the plus strand (G>A on the coding strand, the complement: NEUROD1 is on the minus strand). VCF-style: chr2-181677897-C-T. GRCh37 (hg19) VCF-style: chr2-182542624-C-T.
Other names: c.964G>A (NM_002500.3); short protein forms A322T.
Identifiers: ClinVar variation 896247 (VCV000896247.27), dbSNP rs754458532, ClinGen allele CA2011029.